The following is an entry in ClinVar:

NM_002528.7(NTHL1):c.478G>C (p.Asp160His)

Gene: NTHL1 (nth like DNA glycosylase 1; minus strand). Cytogenetic location: 16p13.3.
Variant type: single nucleotide variant.
Coding change: c.478G>C on transcript NM_002528.7 (MANE Select); coding-DNA position 478, G replaced by C.
Protein change: p.Asp160His; replaces aspartic acid 160 with histidine.
Molecular consequence: missense variant. On other transcripts: intron variant (1).
Genome position (GRCh38, 1-based): chr16:2,044,677, C>G on the plus strand (G>C on the coding strand, the complement: NTHL1 is on the minus strand). VCF-style: chr16-2044677-C-G. GRCh37 (hg19) VCF-style: chr16-2094678-C-G.
Other names: c.148G>C, p.Asp50His (NM_001318194.2); c.355-951G>C (NM_001318193.2); short protein forms D160H, D50H.
Identifiers: ClinVar variation 3222676 (VCV003222676.1), dbSNP rs1377761428, ClinGen allele CA394294197.

ClinVar aggregate classification (germline): Uncertain significance (1 of 4 stars; one submission).

Conditions:
Hereditary cancer-predisposing syndrome. Also called: Tumor predisposition; Hereditary neoplastic syndrome; Hereditary Cancer Syndrome; Neoplastic Syndromes, Hereditary. Identifiers: Orphanet 140162, MedGen C0027672, MeSH D009386, MONDO:0015356.

Submission:

Ambry Genetics
Classification: Uncertain significance for Hereditary cancer-predisposing syndrome. Last evaluated: 2023-11-01. Review status: criteria provided, single submitter. Criteria: Ambry Variant Classification Scheme 2023. Collection method: clinical testing. Allele origin: germline.
Comment: The p.D168H variant (also known as c.502G>C), located in coding exon 3 of the NTHL1 gene, results from a G to C substitution at nucleotide position 502. The aspartic acid at codon 168 is replaced by histidine, an amino acid with similar properties. This amino acid position is conserved. In addition, this alteration is predicted to be deleterious by in silico analysis. Since supporting evidence is limited at this time, the clinical significance of this alteration remains unclear.